The following is an entry in ClinVar:

ClinVar aggregate classification (germline): Uncertain significance (1 of 4 stars; one submission).

gnomAD v4.1: 13 of 1,612,150 alleles (0.00081%); highest among the groups gnomAD compares: Admixed American, 0.005%; no homozygotes.

Submission:

Labcorp Genetics (formerly Invitae), Labcorp
Classification: Uncertain significance. Last evaluated: 2025-11-27. Review status: criteria provided, single submitter. Criteria: Invitae Variant Classification Sherloc (09022015). Collection method: clinical testing. Allele origin: germline.
Comment: This sequence change replaces arginine, which is basic and polar, with histidine, which is basic and polar, at codon 669 of the ITSN2 protein (p.Arg669His). This variant is present in population databases (rs754639750, gnomAD 0.007%). This variant has not been reported in the literature in individuals affected with ITSN2-related conditions. ClinVar contains an entry for this variant (Variation ID: 3697857). An algorithm developed to predict the effect of missense changes on protein structure and function outputs the following: PolyPhen-2: "Not Available". The histidine amino acid residue is found in multiple mammalian species, which suggests that this missense change does not adversely affect protein function. In summary, the available evidence is currently insufficient to determine the role of this variant in disease. Therefore, it has been classified as a Variant of Uncertain Significance.

NM_006277.3(ITSN2):c.2006G>A (p.Arg669His)

Gene: ITSN2 (intersectin 2; minus strand). Cytogenetic location: 2p23.3.
Variant type: single nucleotide variant.
Coding change: c.2006G>A on transcript NM_006277.3 (MANE Select); coding-DNA position 2006, G replaced by A.
Protein change: p.Arg669His; replaces arginine 669 with histidine.
Molecular consequence: missense variant.
Genome position (GRCh38, 1-based): chr2:24,275,788, C>T on the plus strand (G>A on the coding strand, the complement: ITSN2 is on the minus strand). VCF-style: chr2-24275788-C-T. GRCh37 (hg19) VCF-style: chr2-24498657-C-T.
Other names: c.1964G>A, p.Arg655His (NM_001348181.2); c.1925G>A, p.Arg642His (NM_001348182.2, NM_001348183.2, NM_001348186.2 and 1 more transcripts); c.1883G>A, p.Arg628His (NM_001348184.2); c.2006G>A, p.Arg669His (NM_001348185.2, NM_147152.3); short protein forms R669H, R628H, R642H, R655H.
Identifiers: ClinVar variation 3697857 (VCV003697857.2).